The following is an entry in ClinVar:

NM_004006.3(DMD):c.6538A>T (p.Ile2180Phe)

Gene: DMD (dystrophin; minus strand). Cytogenetic location: Xp21.1.
Variant type: single nucleotide variant.
Coding change: c.6538A>T on transcript NM_004006.3 (MANE Select); coding-DNA position 6538, A replaced by T.
Protein change: p.Ile2180Phe; replaces isoleucine 2180 with phenylalanine.
Molecular consequence: missense variant. On other transcripts: 5 prime UTR variant (5).
Genome position (GRCh38, 1-based): chrX:31,968,415, T>A on the plus strand (A>T on the coding strand, the complement: DMD is on the minus strand). VCF-style: chrX-31968415-T-A. GRCh37 (hg19) VCF-style: chrX-31986532-T-A.
Other names: c.6514A>T, p.Ile2172Phe (NM_000109.4); c.6526A>T, p.Ile2176Phe (NM_004009.3); c.6169A>T, p.Ile2057Phe (NM_004010.3); c.2515A>T, p.Ile839Phe (NM_004011.4); c.2506A>T, p.Ile836Phe (NM_004012.4); c.-843A>T (NM_004013.3, NM_004020.4, NM_004021.3 and 2 more transcripts); short protein forms I2057F, I2172F, I2176F, I2180F, I836F, I839F.
Identifiers: ClinVar variation 4071920 (VCV004071920.1).

ClinVar aggregate classification (germline): Uncertain significance (1 of 4 stars; one submission).

Submission:

GeneDx
Classification: Uncertain significance. Last evaluated: 2025-01-27. Review status: criteria provided, single submitter. Criteria: GeneDx Variant Classification Process June 2021. Collection method: clinical testing. Allele origin: germline. Affected: yes.
Comment: Not observed at significant frequency in large population cohorts (gnomAD); In silico analysis indicates that this missense variant does not alter protein structure/function; Has not been previously published as pathogenic or benign to our knowledge